The following is an entry in ClinVar:

ClinVar aggregate classification (germline): Conflicting classifications of pathogenicity. Review status: criteria provided, conflicting classifications (1 of 4 stars). 4 submissions from 4 submitters: Uncertain significance (3); Likely benign (1). Last evaluated 2025-07-31.

Conditions:
Melnick-Needles syndrome (MNS). Also called: MELNICK-NEEDLES OSTEODYSPLASTY; Melnick-Needles Syndrome (FLNA-MNS); OSTEODYSPLASTY OF MELNICK AND NEEDLES. Identifiers: Orphanet 2484, MedGen C0025237, MONDO:0010650, OMIM 309350.
Frontometaphyseal dysplasia (FMD1). Identifiers: Orphanet 1826, MedGen C0265293, MONDO:0015942.
Heterotopia, periventricular, X-linked dominant (PVNH1). Also called: PERIVENTRICULAR NODULAR HETEROTOPIA 4; HETEROTOPIA, PERIVENTRICULAR, 1; PERIVENTRICULAR NODULAR HETEROTOPIA 1; X-linked periventricular heterotopia. Identifiers: Orphanet 2149, Orphanet 82004, MedGen C1848213, MONDO:0010233, OMIM 300049.
Oto-palato-digital syndrome, type II (OPD2). Also called: Otopalatodigital Syndrome Type 2 (FLNA-OPD2); FACIOPALATOOSSEOUS SYNDROME; OPD II SYNDROME; Otopalatodigital Syndrome, Type II. Identifiers: Orphanet 669, Orphanet 90652, MedGen C1844696, MONDO:0010571, OMIM 304120.
Oto-palato-digital syndrome, type I (OPD1). Also called: Otopalatodigital Syndrome Type 1 (FLNA-OPD1); OPD I SYNDROME; OPD SYNDROME 1; Taybi syndrome; Otopalatodigital Syndrome, Type I. Identifiers: Orphanet 669, Orphanet 90650, MedGen C0265251, MONDO:0010704, OMIM 311300.
Intestinal pseudoobstruction, neuronal, chronic idiopathic, X-linked (CIIPX). Also called: INTESTINAL PSEUDOOBSTRUCTION, NEURONAL, CHRONIC IDIOPATHIC, WITH CENTRAL NERVOUS SYSTEM INVOLVEMENT; CONGENITAL IDIOPATHIC INTESTINAL PSEUDOOBSTRUCTION; FLNA-Related Periventricular Nodular Heterotopia (FLNA-Related PVNH; Huttenlocher Syndrome). Identifiers: Orphanet 2301, MedGen C2746068, MONDO:0010232, OMIM 300048.
Cardiac valvular dysplasia, X-linked (CVDPX). Also called: MYXOMATOUS VALVULAR DYSTROPHY, X-LINKED; FLNA-Related X-linked Cardiac Valvular Dysplasia; VALVULAR HEART DISEASE, CONGENITAL; Congenital valvular dysplasia; Isolated X-Linked Cardiac Valvular Dysplasia. Identifiers: Orphanet 1864, Orphanet 555877, Orphanet 75497, MedGen C0262436, MONDO:0010753, OMIM 314400.
Frontometaphyseal dysplasia 1 (FMD1). Also called: Frontometaphyseal Dysplasia (FLNA-FMD). Identifiers: Orphanet 1826, MedGen C4281559, MONDO:0024550, OMIM 305620.
Terminal osseous dysplasia-pigmentary defects syndrome. Also called: ODPD; TERMINAL OSSEOUS DYSPLASIA AND PIGMENTARY DEFECTS; Terminal Osseous Dysplasia (FLNA-TOD); ODPF SYNDROME; OSSEOUS DYSPLASIA, DIGITAL, WITH FACIAL PIGMENTARY DEFECTS AND MULTIPLE FRENULA. Identifiers: Orphanet 88630, MedGen C1846129, MONDO:0010279, OMIM 300244.
FG syndrome 2 (FGS2). Identifiers: MedGen C1845902, MONDO:0010297, OMIM 300321.

Allele frequency attached by ClinVar (database versions not stated): gnomAD 0.00002; gnomAD exomes 0.00002 and 0.00011; TOPMed 0.00002; ExAC 0.00003.

Submissions (4):

Mayo Clinic Laboratories, Mayo Clinic
Classification: Uncertain significance. Last evaluated: 2025-07-31. Review status: criteria provided, single submitter. Criteria: ACMG Guidelines, 2015. Collection method: clinical testing. Allele origin: germline. Observed: 1 variant allele.
Comment: BS2, PP2

Labcorp Genetics (formerly Invitae), Labcorp
Classification: Likely benign for Oto-palato-digital syndrome, type II; Heterotopia, periventricular, X-linked dominant; Frontometaphyseal dysplasia; Melnick-Needles syndrome. Last evaluated: 2025-05-26. Review status: criteria provided, single submitter. Criteria: Invitae Variant Classification Sherloc (09022015). Collection method: clinical testing. Allele origin: germline.

GeneDx
Classification: Uncertain significance. Last evaluated: 2023-06-16. Review status: criteria provided, single submitter. Criteria: GeneDx Variant Classification Process June 2021. Collection method: clinical testing. Allele origin: germline. Affected: yes.
Comment: Has not been previously published as pathogenic or benign to our knowledge; In silico analysis supports that this missense variant has a deleterious effect on protein structure/function

Fulgent Genetics
Classification: Uncertain significance for Intestinal pseudoobstruction, neuronal, chronic idiopathic, X-linked; Heterotopia, periventricular, X-linked dominant; Terminal osseous dysplasia-pigmentary defects syndrome; FG syndrome 2; Oto-palato-digital syndrome, type II; Frontometaphyseal dysplasia 1; Melnick-Needles syndrome; Oto-palato-digital syndrome, type I; Cardiac valvular dysplasia, X-linked. Last evaluated: 2018-10-31. Review status: criteria provided, single submitter. Criteria: ACMG Guidelines, 2015. Collection method: clinical testing. Allele origin: unknown.

NM_001110556.2(FLNA):c.6376C>T (p.Pro2126Ser)

Gene: FLNA (filamin A; minus strand). Cytogenetic location: Xq28.
Variant type: single nucleotide variant.
Coding change: c.6376C>T on transcript NM_001110556.2 (MANE Select); coding-DNA position 6376, C replaced by T.
Protein change: p.Pro2126Ser; replaces proline 2126 with serine.
Molecular consequence: missense variant.
Genome position (GRCh38, 1-based): chrX:154,352,775, G>A on the plus strand (C>T on the coding strand, the complement: FLNA is on the minus strand). VCF-style: chrX-154352775-G-A. GRCh37 (hg19) VCF-style: chrX-153581143-G-A.
Other names: p.Pro2118Ser; c.6352C>T, p.Pro2118Ser (NM_001456.4); short protein forms P2118S, P2126S.
Identifiers: ClinVar variation 533577 (VCV000533577.13), dbSNP rs782400832, ClinGen allele CA10560110.
Genomic context (GRCh38, chrX:154,352,775, plus strand): 5'-TACTGCCTGTGGGCCCTGGTGTAGTGAGGGGGGCTGCCGAGGCACTGCTGCACTCACCAG[G>A]CACGTGCTGGTCGGCAAACTTGATGTTGATGATGTAGTTGCCTGGCTCTGTGGGGCAGTA-3'
Protein context (NP_001104026.1, residues 2116-2136): INIKFADQHV[Pro2126Ser]GSPFSVKVTG